The following is an entry in ClinVar:

ClinVar aggregate classification (germline): Uncertain significance (1 of 4 stars; one submission).

Conditions:
Primary ciliary dyskinesia. Also called: Ciliary dyskinesia. Identifiers: Orphanet 244, MedGen C0008780, MONDO:0016575, HP:0012265.

Allele frequency attached by ClinVar (database versions not stated): ExAC 0.00001; gnomAD 0.00001; TOPMed 0.00001; ESP Exome Variant Server 0.00008.
gnomAD v4.1: 1 of 1,613,516 alleles (0.000062%); highest among the groups gnomAD compares: African/African-American, 0.0013%; no homozygotes.

Submission:

Ambry Genetics
Classification: Uncertain significance for Primary ciliary dyskinesia. Last evaluated: 2022-10-14. Review status: criteria provided, single submitter. Criteria: Ambry Variant Classification Scheme 2023. Collection method: clinical testing. Allele origin: germline.
Comment: The p.D115G variant (also known as c.344A>G), located in coding exon 5 of the NME8 gene, results from an A to G substitution at nucleotide position 344. The aspartic acid at codon 115 is replaced by glycine, an amino acid with similar properties. This amino acid position is conserved. In addition, this alteration is predicted to be tolerated by in silico analysis. Since supporting evidence is limited at this time, the clinical significance of this alteration remains unclear.

NM_016616.5(NME8):c.344A>G (p.Asp115Gly)

Gene: NME8 (NME/NM23 family member 8; plus strand). Cytogenetic location: 7p14.1.
Variant type: single nucleotide variant.
Coding change: c.344A>G on transcript NM_016616.5 (MANE Select); coding-DNA position 344, A replaced by G.
Protein change: p.Asp115Gly; replaces aspartic acid 115 with glycine.
Molecular consequence: missense variant.
Genome position (GRCh38, 1-based): chr7:37,862,101, A>G. VCF-style: chr7-37862101-A-G. GRCh37 (hg19) VCF-style: chr7-37901703-A-G.
Other names: short protein forms D115G.
Identifiers: ClinVar variation 1731534 (VCV001731534.2), dbSNP rs372631973, ClinGen allele CA4222152.